The following is an entry in ClinVar:

ClinVar aggregate classification (germline): Pathogenic (1 of 4 stars; one submission).

Conditions:
Episodic kinesigenic dyskinesia (EKD). Also called: Paroxysmal kinesigenic dyskinesia. Identifiers: Orphanet 98809, MedGen C1868682, MONDO:0044202.

Submission:

Labcorp Genetics (formerly Invitae), Labcorp
Classification: Pathogenic for Episodic kinesigenic dyskinesia. Last evaluated: 2018-10-04. Review status: criteria provided, single submitter. Criteria: Invitae Variant Classification Sherloc (09022015). Collection method: clinical testing. Allele origin: germline.
Comment: This sequence change creates a premature translational stop signal (p.Ser248Lysfs*13) in the PRRT2 gene. It is expected to result in an absent or disrupted protein product. This variant is not present in population databases (ExAC no frequency). This variant has not been reported in the literature in individuals with PRRT2-related disease. Loss-of-function variants in PRRT2 are known to be pathogenic (PMID: 22623405, 22744660). For these reasons, this variant has been classified as Pathogenic.

Literature cited by the submitters: PubMed 22623405; PubMed 22744660.

NM_145239.3(PRRT2):c.742dup (p.Ser248fs)

Genes: MVP-DT (MVP divergent transcript; minus strand), PRRT2 (proline rich transmembrane protein 2; plus strand). Cytogenetic location: 16p11.2.
Variant type: Duplication.
Coding change: c.742dup on transcript NM_145239.3 (MANE Select); coding-DNA position 742, one base duplicated (A; older notation c.742dupA).
Protein change: p.Ser248fs; shifts the reading frame from serine 248.
Molecular consequence: frameshift variant.
Genome position (GRCh38, 1-based): chr16:29,813,796, A duplicated. VCF-style (leftmost placement, unchanged base first): chr16-29813795-C-CA. GRCh37 (hg19) VCF-style: chr16-29825116-C-CA.
Other names: c.742dup, p.Ser248fs (NM_001256443.2, NM_001256442.2); c.742dupA (NM_145239.2); short protein forms S248fs.
Identifiers: ClinVar variation 649461 (VCV000649461.2), dbSNP rs1596892633, ClinGen allele CA915949233.